The following is an entry in ClinVar:

ClinVar aggregate classification (germline): Uncertain significance. Review status: criteria provided, multiple submitters, no conflicts (2 of 4 stars). 2 submissions from 2 submitters: Uncertain significance (2). Last evaluated 2025-12-10.

Conditions:
Hereditary cancer-predisposing syndrome. Also called: Neoplastic Syndromes, Hereditary; Hereditary Cancer Syndrome; Hereditary neoplastic syndrome; Tumor predisposition. Identifiers: Orphanet 140162, MedGen C0027672, MeSH D009386, MONDO:0015356.
Renal cell carcinoma. Identifiers: Orphanet 217071, MedGen C0007134, MeSH D002292, MONDO:0005086, HP:0005584.

Submissions (2):

Ambry Genetics
Classification: Uncertain significance for Hereditary cancer-predisposing syndrome. Last evaluated: 2025-12-10. Review status: criteria provided, single submitter. Criteria: Ambry Variant Classification Scheme 2023. Collection method: clinical testing. Allele origin: germline.
Comment: The p.I377S variant (also known as c.1130T>G), located in coding exon 1 of the MET gene, results from a T to G substitution at nucleotide position 1130. The isoleucine at codon 377 is replaced by serine, an amino acid with dissimilar properties. This amino acid position is conserved. In addition, this alteration is predicted to be tolerated by in silico analysis. Based on the available evidence, the clinical significance of this variant remains unclear.

Labcorp Genetics (formerly Invitae), Labcorp
Classification: Uncertain significance for Renal cell carcinoma. Last evaluated: 2024-11-03. Review status: criteria provided, single submitter. Criteria: Invitae Variant Classification Sherloc (09022015). Collection method: clinical testing. Allele origin: germline.
Comment: This sequence change replaces isoleucine, which is neutral and non-polar, with serine, which is neutral and polar, at codon 377 of the MET protein (p.Ile377Ser). This variant is not present in population databases (gnomAD no frequency). This variant has not been reported in the literature in individuals affected with MET-related conditions. ClinVar contains an entry for this variant (Variation ID: 934910). Invitae Evidence Modeling of protein sequence and biophysical properties (such as structural, functional, and spatial information, amino acid conservation, physicochemical variation, residue mobility, and thermodynamic stability) indicates that this missense variant is not expected to disrupt MET protein function with a negative predictive value of 80%. In summary, the available evidence is currently insufficient to determine the role of this variant in disease. Therefore, it has been classified as a Variant of Uncertain Significance.

NM_000245.4(MET):c.1130T>G (p.Ile377Ser)

Gene: MET (MET proto-oncogene, receptor tyrosine kinase; plus strand). Cytogenetic location: 7q31.2.
Variant type: single nucleotide variant.
Coding change: c.1130T>G on transcript NM_000245.4 (MANE Select); coding-DNA position 1130, T replaced by G.
Protein change: p.Ile377Ser; replaces isoleucine 377 with serine.
Molecular consequence: missense variant. On other transcripts: intron variant (1).
Genome position (GRCh38, 1-based): chr7:116,700,214, T>G. VCF-style: chr7-116700214-T-G. GRCh37 (hg19) VCF-style: chr7-116340268-T-G.
Other names: c.1130T>G, p.Ile377Ser (NM_001127500.3, NM_001324401.3); c.-91+27637T>G (NM_001324402.2); short protein forms I377S.
Identifiers: ClinVar variation 934910 (VCV000934910.10), dbSNP rs1791521654, ClinGen allele CA368970606.